The following is an entry in ClinVar:

NM_182943.3(PLOD2):c.1855C>T (p.Arg619Cys)

Gene: PLOD2 (procollagen-lysine,2-oxoglutarate 5-dioxygenase 2; minus strand). Cytogenetic location: 3q24.
Variant type: single nucleotide variant.
Coding change: c.1855C>T on transcript NM_182943.3 (MANE Select); coding-DNA position 1855, C replaced by T.
Protein change: p.Arg619Cys; replaces arginine 619 with cysteine.
Molecular consequence: missense variant.
Genome position (GRCh38, 1-based): chr3:146,071,417, G>A on the plus strand (C>T on the coding strand, the complement: PLOD2 is on the minus strand). VCF-style: chr3-146071417-G-A. GRCh37 (hg19) VCF-style: chr3-145789204-G-A.
Other names: c.1792C>T, p.Arg598Cys (NM_000935.3); short protein forms R598C, R619C.
Identifiers: ClinVar variation 1312042 (VCV001312042.4), dbSNP rs759871520, ClinGen allele CA2654740.

ClinVar aggregate classification (germline): Uncertain significance. Review status: criteria provided, multiple submitters, no conflicts (2 of 4 stars). 2 submissions from 2 submitters: Uncertain significance (2). Last evaluated 2020-08-11.

Conditions:
Bruck syndrome 2 (BRKS2). Also called: OSTEOGENESIS IMPERFECTA WITH CONGENITAL JOINT CONTRACTURES. Identifiers: Orphanet 2771, MedGen C1836602, MONDO:0012217, OMIM 609220.

Allele frequency attached by ClinVar (database versions not stated): gnomAD 0.00001; gnomAD exomes 0.00001 and 0.00002; ExAC 0.00003.
gnomAD v4.1: 13 of 1,610,956 alleles (0.00081%); highest among the groups gnomAD compares: African/African-American, 0.004%; no homozygotes.

Submissions (2):

GeneDx
Classification: Uncertain significance. Last evaluated: 2020-08-11. Review status: criteria provided, single submitter. Criteria: GeneDx Variant Classification Process June 2021. Collection method: clinical testing. Allele origin: germline. Affected: yes.
Comment: Not observed at a significant frequency in large population cohorts (Lek et al., 2016); In silico analysis supports that this missense variant has a deleterious effect on protein structure/function; Has not been previously published as pathogenic or benign to our knowledge

Neuberg Centre For Genomic Medicine, NCGM
Classification: Uncertain significance for Bruck syndrome 2. Review status: criteria provided, single submitter. Criteria: ACMG Guidelines, 2015. Collection method: clinical testing. Allele origin: germline. Affected: yes.
Comment: The missense variant p.R598C in PLOD2 (NM_000935.3) has not been reported previously as a pathogenic variant nor as a benign variant, to our knowledge. The p.R598C variant is observed in 2/16,224 (0.0123%) alleles from individuals of African background in gnomAD Exomes and is novel (not in any individuals) in 1000 Genomes. The p.R598C missense variant is predicted to be damaging by both SIFT and PolyPhen2. The arginine residue at codon 598 of PLOD2 is conserved in all mammalian species. The nucleotide c.1792 in PLOD2 is predicted conserved by GERP++ and PhyloP across 100 vertebrates. For these reasons, this variant has been classified as Uncertain Significance.